The following is an entry in ClinVar:

NM_000218.3(KCNQ1):c.604+16C>T

Gene: KCNQ1 (potassium voltage-gated channel subfamily Q member 1; plus strand). Cytogenetic location: 11p15.5.
Variant type: single nucleotide variant.
Coding change: c.604+16C>T on transcript NM_000218.3 (MANE Select); 16 bases into the intron after coding-DNA position 604, C replaced by T.
Molecular consequence: intron variant.
Genome position (GRCh38, 1-based): chr11:2,570,770, C>T. VCF-style: chr11-2570770-C-T. GRCh37 (hg19) VCF-style: chr11-2592000-C-T.
Other names: c.334+16C>T (NM_001406837.1); c.604+16C>T (NM_001406836.1); c.478-12665C>T (NM_001406838.1); c.223+16C>T (NM_181798.2).
Identifiers: ClinVar variation 506466 (VCV000506466.10), dbSNP rs746807746, ClinGen allele CA597109062.

ClinVar aggregate classification (germline): Likely benign. Review status: criteria provided, multiple submitters, no conflicts (2 of 4 stars). 2 submissions from 2 submitters: Likely benign (2). Last evaluated 2025-08-13.

Conditions:
Long QT syndrome (LQTS). Identifiers: MedGen C0023976, MeSH D008133, MONDO:0002442. Disease mechanism: loss of function. Inheritance: Various modes of inheritance.

Allele frequency attached by ClinVar (database versions not stated): gnomAD 0.00001; TOPMed 0.00001.
gnomAD v4.1: 47 of 1,609,042 alleles (0.0029%); highest among the groups gnomAD compares: Non-Finnish European, 0.004%; no homozygotes.

Submissions (2):

Labcorp Genetics (formerly Invitae), Labcorp
Classification: Likely benign for Long QT syndrome. Last evaluated: 2025-08-13. Review status: criteria provided, single submitter. Criteria: Invitae Variant Classification Sherloc (09022015). Collection method: clinical testing. Allele origin: germline.

GeneDx
Classification: Likely benign. Last evaluated: 2017-01-24. Review status: criteria provided, single submitter. Criteria: GeneDx Variant Classification (06012015). Collection method: clinical testing. Allele origin: germline. Affected: yes.
Comment: This variant is considered likely benign or benign based on one or more of the following criteria: it is a conservative change, it occurs at a poorly conserved position in the protein, it is predicted to be benign by multiple in silico algorithms, and/or has population frequency not consistent with disease.